The following is an entry in ClinVar:

ClinVar aggregate classification (germline): Likely benign. Review status: criteria provided, multiple submitters, no conflicts (2 of 4 stars). 3 submissions from 3 submitters: Likely benign (2). 1 of the submissions does not count toward it. Last evaluated 2025-09-15.

Conditions:
Nemaline myopathy 8 (NEM8). Also called: Nemaline myopathy 8, autosomal recessive. Identifiers: Orphanet 171430, MedGen C3809209, MONDO:0014138, OMIM 615348.
KLHL40-related disorder. Also called: KLHL40-related condition.

Allele frequency attached by ClinVar (database versions not stated): gnomAD exomes 0.00001 and 0.00002; ExAC 0.00002; gnomAD 0.00002; TOPMed 0.00003.
gnomAD v4.1: 19 of 1,614,002 alleles (0.0012%); highest among the groups gnomAD compares: Middle Eastern, 0.13%; 1 homozygote.

Submissions (3):

Labcorp Genetics (formerly Invitae), Labcorp
Classification: Likely benign for Nemaline myopathy 8. Last evaluated: 2025-09-15. Review status: criteria provided, single submitter. Criteria: Invitae Variant Classification Sherloc (09022015). Collection method: clinical testing. Allele origin: germline.

CeGaT Center for Human Genetics Tuebingen
Classification: Likely benign. Last evaluated: 2025-01-01. Review status: criteria provided, single submitter. Criteria: CeGaT Center For Human Genetics Tuebingen Variant Classification Criteria Version 2. Collection method: clinical testing. Allele origin: germline. Affected: yes. Observed: 1 variant allele.
Comment: KLHL40: BP4, BP7

PreventionGenetics, part of Exact Sciences
Classification: Likely benign for KLHL40-related condition. Last evaluated: 2019-03-01. Review status: no assertion criteria provided. Collection method: clinical testing. Allele origin: germline. Not counted in ClinVar's aggregate classification.
Comment: This variant is classified as likely benign based on ACMG/AMP sequence variant interpretation guidelines (Richards et al. 2015 PMID: 25741868, with internal and published modifications).

NM_152393.4(KLHL40):c.1567C>T (p.Leu523=)

Gene: KLHL40 (kelch like family member 40; plus strand). Cytogenetic location: 3p22.1.
Variant type: single nucleotide variant.
Coding change: c.1567C>T on transcript NM_152393.4 (MANE Select); coding-DNA position 1567, C replaced by T.
Protein change: p.Leu523=; no amino-acid change (leucine 523 retained).
Molecular consequence: synonymous variant.
Genome position (GRCh38, 1-based): chr3:42,689,014, C>T. VCF-style: chr3-42689014-C-T. GRCh37 (hg19) VCF-style: chr3-42730506-C-T.
Other names: c.1567C>T (NM_152393.3).
Identifiers: ClinVar variation 1095662 (VCV001095662.22), dbSNP rs761258938, ClinGen allele CA2337007.
Genomic context (GRCh38, chr3:42,689,014, plus strand): 5'-TTTGGGGCCACTGTCCATGATGGCCGCATTATCGTGGCAGCTGGGGTCACCGACACAGGG[C>T]TGACCAGTTCTGCCGAAGTGTACAGCATCACAGACAACAAGTATGAAAGCTTGTCCCTTC-3'
Protein context (NP_689606.2, residues 513-533): IVAAGVTDTG[Leu523=]TSSAEVYSIT